The following is an entry in ClinVar:

NM_014140.4(SMARCAL1):c.1159C>T (p.Arg387Cys)

Gene: SMARCAL1 (SNF2 related chromatin remodeling annealing helicase 1; plus strand). Cytogenetic location: 2q35.
Variant type: single nucleotide variant.
Coding change: c.1159C>T on transcript NM_014140.4 (MANE Select); coding-DNA position 1159, C replaced by T.
Protein change: p.Arg387Cys; replaces arginine 387 with cysteine.
Molecular consequence: missense variant.
Genome position (GRCh38, 1-based): chr2:216,428,607, C>T. VCF-style: chr2-216428607-C-T. GRCh37 (hg19) VCF-style: chr2-217293330-C-T.
Other names: c.1159C>T, p.Arg387Cys (NM_001127207.2); short protein forms R387C.
Identifiers: ClinVar variation 2047642 (VCV002047642.7), dbSNP rs147448613, ClinGen allele CA2097807.

ClinVar aggregate classification (germline): Likely benign. Review status: criteria provided, multiple submitters, no conflicts (2 of 4 stars). 3 submissions from 3 submitters: Likely benign (2). 1 of the submissions does not count toward it. Last evaluated 2026-01-28.

Conditions:
SMARCAL1-related disorder. Also called: SMARCAL1-related condition.
Schimke immuno-osseous dysplasia (SIOD). Also called: Schimke Immunoosseous Dysplasia. Identifiers: Orphanet 1830, MedGen C0877024, MONDO:0009458, OMIM 242900.

Allele frequency attached by ClinVar (database versions not stated): gnomAD 0.00011; gnomAD exomes 0.00013; ESP Exome Variant Server 0.00015; TOPMed 0.00018; ExAC 0.00021.
gnomAD v4.1: 211 of 1,613,748 alleles (0.013%); highest among the groups gnomAD compares: South Asian, 0.15%; 1 homozygote.

Submissions (3):

Labcorp Genetics (formerly Invitae), Labcorp
Classification: Likely benign for Schimke immuno-osseous dysplasia. Last evaluated: 2026-01-28. Review status: criteria provided, single submitter. Criteria: Invitae Variant Classification Sherloc (09022015). Collection method: clinical testing. Allele origin: germline.

Blueprint Genetics
Classification: Likely benign. Last evaluated: 2024-11-08. Review status: criteria provided, single submitter. Criteria: ACMG Guidelines, 2015. Collection method: clinical testing. Allele origin: germline.

PreventionGenetics, part of Exact Sciences
Classification: Likely benign for SMARCAL1-related condition. Last evaluated: 2022-08-01. Review status: no assertion criteria provided. Collection method: clinical testing. Allele origin: germline. Not counted in ClinVar's aggregate classification.
Comment: This variant is classified as likely benign based on ACMG/AMP sequence variant interpretation guidelines (Richards et al. 2015 PMID: 25741868, with internal and published modifications).